The following is an entry in ClinVar:

ClinVar aggregate classification (germline): Likely pathogenic (1 of 4 stars; one submission).

Conditions:
Infantile-onset generalized dyskinesia with orofacial involvement. Also called: Dyskinesia, limb and orofacial, infantile-onset. Identifiers: Orphanet 494526, MedGen C5567464, MONDO:0044637, OMIM 616921.

Submission:

First Genomix Gene Laboratory, Genetic Diagnostics Department
Classification: Likely pathogenic for Infantile-onset generalized dyskinesia with orofacial involvement. Last evaluated: 2025-07-30. Review status: criteria provided, single submitter. Criteria: ACMG Guidelines, 2015. Collection method: clinical testing. Allele origin: germline. Inheritance: Autosomal recessive inheritance. Affected: no. Observed: 1 variant allele.

NM_001385079.1(PDE10A):c.686del (p.Gly229fs)

Gene: PDE10A (phosphodiesterase 10A; minus strand). Cytogenetic location: 6q27.
Variant type: Deletion.
Coding change: c.686del on transcript NM_001385079.1 (MANE Select); coding-DNA position 686, one base deleted (G; older notation c.686delG).
Protein change: p.Gly229fs; shifts the reading frame from glycine 229.
Molecular consequence: frameshift variant. On other transcripts: 5 prime UTR variant (2).
Genome position (GRCh38, 1-based): chr6:165,662,126, C deleted on the plus strand (G on the coding strand, the reverse complement: PDE10A is on the minus strand); the first of 3 consecutive C bases (chr6:165,662,126-165,662,128); deleting any one gives the same sequence. VCF-style (leftmost placement, unchanged base first): chr6-165662125-GC-G. GRCh37 (hg19) VCF-style: chr6-166075613-GC-G.
Other names: c.-113del (NM_001130690.3); c.-271del (NM_006661.4); c.686delG (NM_001385079.1); short protein forms G229fs.
Identifiers: ClinVar variation 4850658 (VCV004850658.1).
Genomic context (GRCh38, chr6:165,662,125, plus strand): 5'-CTGGGGACGCCGCGGAGTTTGGCCGCCGCCGCCTGGGCCGGCGCCGGGGAAGCCGGGGGA[GC>G]CCGCGCGGCGGGCGGCCTGGCCAAGGGGGAGCCGGGGCGGCGGCGGCGGCCGGGGACCGG-3'